The following is an entry in ClinVar:

ClinVar aggregate classification (germline): Uncertain significance. Review status: criteria provided, multiple submitters, no conflicts (2 of 4 stars). 2 submissions from 2 submitters: Uncertain significance (2). Last evaluated 2022-03-03.

Conditions:
Long QT syndrome (LQTS). Identifiers: MedGen C0023976, MeSH D008133, MONDO:0002442. Disease mechanism: loss of function. Inheritance: Various modes of inheritance.
Cardiovascular phenotype. Identifiers: MedGen CN230736.

gnomAD v4.1: 1 of 1,613,770 alleles (0.000062%); highest among the groups gnomAD compares: African/African-American, 0.0013%; no homozygotes.

Submissions (2):

Ambry Genetics
Classification: Uncertain significance for Cardiovascular phenotype. Last evaluated: 2022-03-03. Review status: criteria provided, single submitter. Criteria: Ambry Variant Classification Scheme 2023. Collection method: clinical testing. Allele origin: germline.
Comment: The p.A3432S variant (also known as c.10294G>T), located in coding exon 38 of the ANK2 gene, results from a G to T substitution at nucleotide position 10294. The alanine at codon 3432 is replaced by serine, an amino acid with similar properties. This amino acid position is conserved. In addition, this alteration is predicted to be tolerated by in silico analysis. Since supporting evidence is limited at this time, the clinical significance of this alteration remains unclear.

Labcorp Genetics (formerly Invitae), Labcorp
Classification: Uncertain significance for Long QT syndrome. Last evaluated: 2018-03-24. Review status: criteria provided, single submitter. Criteria: Invitae Variant Classification Sherloc (09022015). Collection method: clinical testing. Allele origin: germline.
Comment: In summary, the available evidence is currently insufficient to determine the role of this variant in disease. Therefore, it has been classified as a Variant of Uncertain Significance. Algorithms developed to predict the effect of missense changes on protein structure and function (SIFT, PolyPhen-2, Align-GVGD) all suggest that this variant is likely to be tolerated, but these predictions have not been confirmed by published functional studies and their clinical significance is uncertain. This variant has not been reported in the literature in individuals with ANK2-related disease. This variant is not present in population databases (ExAC no frequency). This sequence change replaces alanine with serine at codon 3432 of the ANK2 protein (p.Ala3432Ser). The alanine residue is weakly conserved and there is a moderate physicochemical difference between alanine and serine.

NM_001148.6(ANK2):c.10294G>T (p.Ala3432Ser)

Gene: ANK2 (ankyrin 2; plus strand). Cytogenetic location: 4q26.
Variant type: single nucleotide variant.
Coding change: c.10294G>T on transcript NM_001148.6 (MANE Select); coding-DNA position 10294, G replaced by T.
Protein change: p.Ala3432Ser; replaces alanine 3432 with serine.
Molecular consequence: missense variant. On other transcripts: intron variant (68).
Genome position (GRCh38, 1-based): chr4:113,358,912, G>T. VCF-style: chr4-113358912-G-T. GRCh37 (hg19) VCF-style: chr4-114280068-G-T.
Other names: c.10060G>T, p.Ala3354Ser (NM_001386142.1); c.6694G>T, p.Ala2232Ser (NM_001386166.1); c.10435G>T, p.Ala3479Ser (NM_001386174.1); c.10411G>T, p.Ala3471Ser (NM_001386175.1); c.4412-1911G>T (NM_001386186.2, NM_001386148.2); c.4214-1911G>T (NM_001354269.3); c.4292-1911G>T (NM_001386187.2); c.4253-1911G>T (NM_001386147.1); and 35 more; short protein forms A3432S, A2232S, A3354S, A3471S, A3479S.
Identifiers: ClinVar variation 568157 (VCV000568157.7), dbSNP rs1564065329, ClinGen allele CA357940105.
Genomic context (GRCh38, chr4:113,358,912, plus strand): 5'-GAGACAGAAACAGAGAGCAGAGAGAGGGCCGAGGAACTTGAGTTAGAATCAGAAGAAGGG[G>T]CCACAAGACCAAAGATACTTACATCCCGATTGCCAGTTAAGAGCAGAAGCACTACATCTT-3'
Protein context (NP_001139.3, residues 3422-3442): EELELESEEG[Ala3432Ser]TRPKILTSRL